The following is an entry in ClinVar:

ClinVar aggregate classification (germline): Uncertain significance (1 of 4 stars; one submission).

gnomAD v4.1: 1 of 1,613,302 alleles (0.000062%); highest among the groups gnomAD compares: Non-Finnish European, 0.000085%; no homozygotes.

Submission:

Dasa
Classification: Uncertain significance. Last evaluated: 2025-08-17. Review status: criteria provided, single submitter. Criteria: DASA Assertion Criteria. Collection method: clinical testing. Allele origin: germline.
Comment: NM_014159.7(SETD2):c.1819C>G (p.Pro607Ala) is a missense variant that results in the substitution of proline with alanine. This variant is rare in population databases. Computational prediction algorithms are consistent with a benign effect. The currently available literature and clinical evidence are not sufficient to establish a definitive association between this variant and the reported condition. Therefore, this variant is classified as a variant of uncertain significance.

NM_014159.7(SETD2):c.1819C>G (p.Pro607Ala)

Gene: SETD2 (SET domain containing 2, histone lysine methyltransferase; minus strand). Cytogenetic location: 3p21.31.
Variant type: single nucleotide variant.
Coding change: c.1819C>G on transcript NM_014159.7 (MANE Select); coding-DNA position 1819, C replaced by G.
Protein change: p.Pro607Ala; replaces proline 607 with alanine.
Molecular consequence: missense variant. On other transcripts: non-coding transcript variant (1).
Genome position (GRCh38, 1-based): chr3:47,122,817, G>C on the plus strand (C>G on the coding strand, the complement: SETD2 is on the minus strand). VCF-style: chr3-47122817-G-C. GRCh37 (hg19) VCF-style: chr3-47164307-G-C.
Other names: c.1687C>G, p.Pro563Ala (NM_001349370.3); short protein forms P563A, P607A.
Identifiers: ClinVar variation 5020885 (VCV005020885.1).